The following is an entry in ClinVar:

ClinVar aggregate classification (germline): Uncertain significance (1 of 4 stars; one submission).

Conditions:
Cardiovascular phenotype. Identifiers: MedGen CN230736.

Allele frequency attached by ClinVar (database versions not stated): gnomAD exomes below 0.00001; gnomAD 0.00001.
gnomAD v4.1: 4 of 1,613,922 alleles (0.00025%); highest among the groups gnomAD compares: Admixed American, 0.0033%; no homozygotes.

Submission:

Ambry Genetics
Classification: Uncertain significance for Cardiovascular phenotype. Last evaluated: 2021-07-19. Review status: criteria provided, single submitter. Criteria: Ambry Variant Classification Scheme 2023. Collection method: clinical testing. Allele origin: germline.
Comment: The p.L3645F variant (also known as c.10933C>T), located in coding exon 16 of the ALMS1 gene, results from a C to T substitution at nucleotide position 10933. The leucine at codon 3645 is replaced by phenylalanine, an amino acid with highly similar properties. This amino acid position is highly conserved in available vertebrate species. In addition, this alteration is predicted to be tolerated by in silico analysis. Since supporting evidence is limited at this time, the clinical significance of this alteration remains unclear.

NM_001378454.1(ALMS1):c.10930C>T (p.Leu3644Phe)

Gene: ALMS1 (ALMS1 centrosome and basal body associated protein; plus strand). Cytogenetic location: 2p13.1.
Variant type: single nucleotide variant.
Coding change: c.10930C>T on transcript NM_001378454.1 (MANE Select); coding-DNA position 10930, C replaced by T.
Protein change: p.Leu3644Phe; replaces leucine 3644 with phenylalanine.
Molecular consequence: missense variant.
Genome position (GRCh38, 1-based): chr2:73,572,807, C>T. VCF-style: chr2-73572807-C-T. GRCh37 (hg19) VCF-style: chr2-73799934-C-T.
Other names: c.10933C>T, p.Leu3645Phe (NM_015120.4); short protein forms L3645F, L3644F.
Identifiers: ClinVar variation 1789815 (VCV001789815.2), dbSNP rs1060500033, ClinGen allele CA347286267.